The following continues an entry in ClinVar:

NM_000133.4(F9):c.316G>A (p.Gly106Ser)

Gene: F9. ClinVar aggregate classification (germline): Pathogenic. Pathogenic (1).

Submissions 9 to 11 of 11:

ARUP Laboratories, Molecular Genetics and Genomics, ARUP Laboratories
Classification: Pathogenic. Last evaluated: 2021-09-17. Review status: criteria provided, single submitter. Criteria: ARUP Molecular Germline Variant Investigation Process 2021. Collection method: clinical testing. Allele origin: germline. Not counted in ClinVar's aggregate classification.
Comment: The F9 c.316G>A; p.Gly106Ser variant (rs1378522233), also known as Gly60Ser or FIX Durham, is reported in numerous patients diagnosed with mild hemophilia B (Chavali 2009, Chen 1989, Denton 1988, Poort 1989, Factor IX Variant Database and references therein). This variant is reported as pathogenic in ClinVar (Variation ID: 10579) and is found in the general population at a low overall allele frequency of 0.003% (5/204867 alleles, including 3 hemizygotes) in the Genome Aggregation Database. The glycine at codon 106 is highly conserved and located in the calcium-binding EGF-like domain. Structural analyses demonstrate that the variant increases the likelihood of defective folding in the EGF-like domain of the protein (Whiteman 1998). Additionally, other amino acid substitutions at this codon (Arg, Cys, and Asp) have been reported in individuals with hemophilia B and are considered disease-causing (Factor IX Variant Database and references therein). Based on available information, the p.Gly106Ser variant is considered to be pathogenic. References: Factor IX Variant Database: Chavali S et al. Hemophilia B is a quasi-quantitative condition with certain mutations showing phenotypic plasticity. Genomics. 2009 Dec;94(6):433-7. Chen SH et al. Three point mutations in the factor IX genes of five hemophilia B patients. Identification strategy using localization by altered epitopes in their hemophilic proteins. J Clin Invest. 1989 Jul;84(1):113-8. Denton PH et al. Hemophilia B Durham: a mutation in the first EGF-like domain of factor IX that is characterized by polymerase chain reaction. Blood. 1988 Oct;72(4):1407-11. Poort SR et al. A Dutch pedigree with mild hemophilia B with a missense mutation in the first EGF domain (factor IXOud en Nieuw Gastel). Nucleic Acids Res. 1989 Jul 25;17(14):5869. Whiteman P et al. A Gly --> Ser change causes defective folding in vitro of calcium-binding epidermal growth factor-like domains from factor IX and fibrillin-1. J Biol Chem. 1998 Apr 3;273(14):7807-13.

PreventionGenetics, part of Exact Sciences
Classification: Pathogenic for F9-related condition. Last evaluated: 2024-02-21. Review status: no assertion criteria provided. Collection method: clinical testing. Allele origin: germline. Not counted in ClinVar's aggregate classification.
Comment: The F9 c.316G>A variant is predicted to result in the amino acid substitution p.Gly106Ser. This variant, also referred to as Hemophilia B Durham, has been reported previously in many patients to be causative for Hemophilia B (Denton et al. 1988. PubMed ID: 3262389; Tengguo et al. 2014. PubMed ID: 24375831; Factor IX Gene (F9) Variant Database). Several other missense changes at this same position (p.Gly106Cys, p.Gly106Arg, and p.Gly106Asp) have also been reported to be causative for Hemophilia B (Factor IX Gene (F9) Variant Database). This variant is reported in 0.011% of alleles in individuals of African descent in gnomAD. The c.316G>A (p.Gly106Ser) variant is interpreted as pathogenic.

OMIM
Classification: Pathogenic for HEMOPHILIA B. Last evaluated: 1989-07-25. Review status: no assertion criteria provided. Collection method: literature only. Allele origin: germline. Not counted in ClinVar's aggregate classification.

Literature cited by the submitters: PubMed 2472424 (cited by 5 submitters); PubMed 19699296 (cited by Labcorp Genetics (formerly Invitae), Labcorp); PubMed 22639855 (cited by Labcorp Genetics (formerly Invitae), Labcorp and Genetics and Molecular Pathology, SA Pathology); PubMed 9525872 (cited by 3 submitters); PubMed 18479429 (cited by Natera, Inc.); PubMed 1972560 (cited by Natera, Inc.); PubMed 24375831 (cited by Natera, Inc. and Women's Health and Genetics/Laboratory Corporation of America, LabCorp); PubMed 28750473 (cited by Natera, Inc.); PubMed 1916816 (cited by Natera, Inc. and Mayo Clinic Laboratories, Mayo Clinic); PubMed 22103590 (cited by Mayo Clinic Laboratories, Mayo Clinic); PubMed 23617593 (cited by Mayo Clinic Laboratories, Mayo Clinic); PubMed 29296726 (cited by Mayo Clinic Laboratories, Mayo Clinic); PubMed 3262389 (cited by Mayo Clinic Laboratories, Mayo Clinic and OMIM); PubMed 35842956 (cited by Mayo Clinic Laboratories, Mayo Clinic and Genetics and Molecular Pathology, SA Pathology); PubMed 37647632 (cited by Mayo Clinic Laboratories, Mayo Clinic); PubMed 38196513 (cited by Mayo Clinic Laboratories, Mayo Clinic); PubMed 11278305 (cited by Women's Health and Genetics/Laboratory Corporation of America, LabCorp); PubMed 3651597 (cited by Genetics and Molecular Pathology, SA Pathology); PubMed 2929599 (cited by OMIM); PubMed 2762170 (cited by OMIM).